The following is an entry in ClinVar:

ClinVar aggregate classification (germline): Uncertain significance. Review status: criteria provided, multiple submitters, no conflicts (2 of 4 stars). 8 submissions from 8 submitters: Uncertain significance (8). Last evaluated 2025-10-03.

Conditions:
Charcot-Marie-Tooth disease type 4B3. Also called: Charcot-Marie-Tooth Neuropathy Type 4B3; CHARCOT-MARIE-TOOTH DISEASE, DEMYELINATING, TYPE 4B3. Identifiers: Orphanet 363981, MedGen C3695063, MONDO:0014117, OMIM 615284.

Allele frequency attached by ClinVar (database versions not stated): gnomAD 0.00006; ExAC 0.00007; ESP Exome Variant Server 0.00008; gnomAD exomes 0.00008 and 0.00011; TOPMed 0.00012.
gnomAD v4.1: 165 of 1,613,862 alleles (0.01%); highest among the groups gnomAD compares: Middle Eastern, 0.12%; 1 homozygote.

Submissions (8):

Labcorp Genetics (formerly Invitae), Labcorp
Classification: Uncertain significance. Last evaluated: 2025-10-03. Review status: criteria provided, single submitter. Criteria: Invitae Variant Classification Sherloc (09022015). Collection method: clinical testing. Allele origin: germline.
Comment: This sequence change replaces histidine, which is basic and polar, with arginine, which is basic and polar, at codon 319 of the SBF1 protein (p.His319Arg). This variant is present in population databases (rs372068556, gnomAD 0.02%). This variant has not been reported in the literature in individuals affected with SBF1-related conditions. ClinVar contains an entry for this variant (Variation ID: 1509030). Invitae Evidence Modeling of protein sequence and biophysical properties (such as structural, functional, and spatial information, amino acid conservation, physicochemical variation, residue mobility, and thermodynamic stability) indicates that this missense variant is expected to disrupt SBF1 protein function with a positive predictive value of 80%. In summary, the available evidence is currently insufficient to determine the role of this variant in disease. Therefore, it has been classified as a Variant of Uncertain Significance.

Ambry Genetics
Classification: Uncertain significance. Last evaluated: 2025-06-24. Review status: criteria provided, single submitter. Criteria: Ambry Variant Classification Scheme 2023. Collection method: clinical testing. Allele origin: germline.

Mayo Clinic Laboratories, Mayo Clinic
Classification: Uncertain significance. Last evaluated: 2025-06-04. Review status: criteria provided, single submitter. Criteria: ACMG Guidelines, 2015. Collection method: clinical testing. Allele origin: germline. Observed: 1 variant allele.

ARUP Laboratories, Molecular Genetics and Genomics, ARUP Laboratories
Classification: Uncertain significance for Charcot-Marie-Tooth disease type 4B3. Last evaluated: 2024-12-12. Review status: criteria provided, single submitter. Criteria: ARUP Molecular Germline Variant Investigation Process 2024. Collection method: clinical testing. Allele origin: germline.
Comment: The SBF1 c.956A>G; p.His319Arg variant (rs372068556), to our knowledge, is not reported in the medical literature but is reported in ClinVar (Variation ID: 1509030). This variant is found primarily in the non-Finnish European population with an allele frequency of 0.02% (20/128,542 alleles) in the Genome Aggregation Database (v2.1.1). Computational analyses are uncertain whether this variant is neutral or deleterious (REVEL: 0.324). Due to limited information, the clinical significance of this variant is uncertain at this time.

Blueprint Genetics
Classification: Uncertain significance. Last evaluated: 2024-03-13. Review status: criteria provided, single submitter. Criteria: ACMG Guidelines, 2015. Collection method: clinical testing. Allele origin: germline.

Women's Health and Genetics/Laboratory Corporation of America, LabCorp
Classification: Uncertain significance. Last evaluated: 2023-10-26. Review status: criteria provided, single submitter. Criteria: LabCorp Variant Classification Summary - May 2015. Collection method: clinical testing. Allele origin: germline.
Comment: Variant summary: SBF1 c.956A>G (p.His319Arg) results in a non-conservative amino acid change located in the tripartite DENN domain (IPR037516) of the encoded protein sequence. Three of five in-silico tools predict a benign effect of the variant on protein function. The variant allele was found at a frequency of 8.4e-05 in 249284 control chromosomes (gnomAD). To our knowledge, no occurrence of c.956A>G in individuals affected with Charcot Marie Tooth Disease Type 4B3 and no experimental evidence demonstrating its impact on protein function have been reported. Four submitters have cited clinical-significance assessments for this variant to ClinVar after 2014. All submitters classified the variant as uncertain significance. Based on the evidence outlined above, the variant was classified as uncertain significance.

GeneDx
Classification: Uncertain significance. Last evaluated: 2023-10-06. Review status: criteria provided, single submitter. Criteria: GeneDx Variant Classification Process June 2021. Collection method: clinical testing. Allele origin: germline. Affected: yes.
Comment: In silico analysis supports that this missense variant has a deleterious effect on protein structure/function; Has not been previously published as pathogenic or benign to our knowledge

Institute for Clinical Genetics, University Hospital TU Dresden, University Hospital TU Dresden
Classification: Uncertain significance. Last evaluated: 2023-04-18. Review status: criteria provided, single submitter. Criteria: ACMG Guidelines, 2015. Collection method: clinical testing. Allele origin: maternal.
Comment: PM2_SUP

NM_002972.4(SBF1):c.956A>G (p.His319Arg)

Gene: SBF1 (SET binding factor 1; minus strand). Cytogenetic location: 22q13.33.
Variant type: single nucleotide variant.
Coding change: c.956A>G on transcript NM_002972.4 (MANE Select); coding-DNA position 956, A replaced by G.
Protein change: p.His319Arg; replaces histidine 319 with arginine.
Molecular consequence: missense variant.
Genome position (GRCh38, 1-based): chr22:50,466,016, T>C on the plus strand (A>G on the coding strand, the complement: SBF1 is on the minus strand). VCF-style: chr22-50466016-T-C. GRCh37 (hg19) VCF-style: chr22-50904445-T-C.
Other names: p.His319Arg; c.956A>G (NM_002972.2); c.959A>G, p.His320Arg (NM_001365819.1); short protein forms H319R, H320R.
Identifiers: ClinVar variation 1509030 (VCV001509030.15), dbSNP rs372068556, ClinGen allele CA10317898.
Genomic context (GRCh38, chr22:50,466,016, plus strand): 5'-CTCACCATGCTCAGCACACTGTGCGTCTGACTCTGCAGTGGCTCTGGCAAGGGTGGAATG[T>C]GCACACACTCAGGAATGGTGACCGTCCCTCCATCCAGATCAGCAACAATCACATCGAGCT-3'
Protein context (NP_002963.2, residues 309-329): GGTVTIPECV[His319Arg]IPPLPEPLQS